The following is an entry in ClinVar:

ClinVar aggregate classification (germline): Pathogenic. Review status: criteria provided, multiple submitters, no conflicts (2 of 4 stars). 6 submissions from 6 submitters: Pathogenic (4). 2 of the submissions do not count toward it. Last evaluated 2024-10-22.

Conditions:
Metachromatic leukodystrophy, late infantile form. Also called: Metachromatic leukodystrophy, late infantile. Identifiers: Orphanet 309256, MedGen C0751278, MONDO:0017729.
Metachromatic leukodystrophy (MLD). Also called: CEREBROSIDE SULFATASE DEFICIENCY; METACHROMATIC LEUKOENCEPHALOPATHY; ARSA DEFICIENCY; SULFATIDE LIPIDOSIS; Arylsulfatase A Deficiency; Cerebral sclerosis diffuse metachromatic form. Identifiers: Orphanet 512, MedGen C0023522, MONDO:0018868, OMIM 250100.

Submissions (6):

GeneDx
Classification: Pathogenic. Last evaluated: 2024-10-22. Review status: criteria provided, single submitter. Criteria: GeneDx Variant Classification Process June 2021. Collection method: clinical testing. Allele origin: germline.
Comment: Frameshift variant predicted to result in protein truncation or nonsense mediated decay in a gene for which loss of function is a known mechanism of disease; Not observed at significant frequency in large population cohorts (gnomAD); This variant is associated with the following publications: (PMID: 32875726, 8101038)

Labcorp Genetics (formerly Invitae), Labcorp
Classification: Pathogenic for Metachromatic leukodystrophy. Last evaluated: 2024-09-21. Review status: criteria provided, single submitter. Criteria: Invitae Variant Classification Sherloc (09022015). Collection method: clinical testing. Allele origin: germline.
Comment: This sequence change creates a premature translational stop signal (p.Leu102Cysfs*6) in the ARSA gene. It is expected to result in an absent or disrupted protein product. Loss-of-function variants in ARSA are known to be pathogenic (PMID: 8962139, 10477432). This variant is not present in population databases (gnomAD no frequency). This premature translational stop signal has been observed in individual(s) with metachromatic leukodystrophy (PMID: 8101038). ClinVar contains an entry for this variant (Variation ID: 189073). For these reasons, this variant has been classified as Pathogenic.

Natera, Inc.
Classification: Pathogenic for Metachromatic leukodystrophy. Last evaluated: 2024-05-03. Review status: criteria provided, single submitter. Criteria: Natera Variant Classification Schema (03/2026). Collection method: clinical testing. Allele origin: germline.
Comment: The c.304delC variant in ARSA is a frameshift variant predicted to shift the reading frame beginning at codon 102 and leads to a stop codon 6 codons downstream. This variant is expected to result in nonsense mediated decay, truncation, or a dysfunctional protein product. This variant is rare in the general population with a frequency below the threshold expected for the associated phenotype(s). This variant has been observed in one or more individuals affected with the associated recessive disease, as either homozygous or compound heterozygous with a second variant (PMID: 8101038). Given the available evidence, this variant is classified as Pathogenic.

Women's Health and Genetics/Laboratory Corporation of America, LabCorp
Classification: Pathogenic for Metachromatic leukodystrophy. Last evaluated: 2017-12-26. Review status: criteria provided, single submitter. Criteria: LabCorp Variant Classification Summary - May 2015. Collection method: clinical testing. Allele origin: germline.
Comment: Variant summary: The ARSA c.304delC (p.Leu102CysfsX6) variant results in a premature termination codon, predicted to cause a truncated or absent ARSA protein due to nonsense mediated decay, which are commonly known mechanisms for disease. Truncations downstream of this position have been classified as pathogenic by our laboratory (e.g. c.960G>A/Trp320X). One in silico tool predicts a damaging outcome for this variant. This variant is absent in 190968 control chromosomes. It has been reported in at least one late-infantile metachromatic leukodystrophy patient as a compound heterozygote, and this patient had a residual arylsulfatase A (ARSA) activity <10% of WT level (Kreysing_1993). In addition, one other clinical diagnostic laboratory classified this variant as likely pathogenic. Taken together, this variant is classified as pathogenic.

Counsyl
Classification: Likely pathogenic for Metachromatic leukodystrophy. Last evaluated: 2014-11-26. Review status: no assertion criteria provided. Collection method: literature only. Allele origin: unknown. Inheritance: Autosomal recessive inheritance. Not counted in ClinVar's aggregate classification.

OMIM
Classification: Pathogenic for METACHROMATIC LEUKODYSTROPHY, LATE INFANTILE. Last evaluated: 1993-08-01. Review status: no assertion criteria provided. Collection method: literature only. Allele origin: germline. Not counted in ClinVar's aggregate classification.

Literature cited by the submitters: PubMed 8962139 (cited by Labcorp Genetics (formerly Invitae), Labcorp); PubMed 10477432 (cited by Labcorp Genetics (formerly Invitae), Labcorp); PubMed 8101038 (cited by 5 submitters); PubMed 7866401 (cited by Women's Health and Genetics/Laboratory Corporation of America, LabCorp); PubMed 26462614 (cited by Women's Health and Genetics/Laboratory Corporation of America, LabCorp).

NM_000487.6(ARSA):c.304del (p.Leu102fs)

Gene: ARSA (arylsulfatase A; minus strand). Cytogenetic location: 22q13.33.
Variant type: Deletion.
Coding change: c.304del on transcript NM_000487.6 (MANE Select); coding-DNA position 304, one base deleted (C; older notation c.304delC).
Protein change: p.Leu102fs; shifts the reading frame from leucine 102.
Molecular consequence: frameshift variant.
Genome position (GRCh38, 1-based): chr22:50,627,327, G deleted on the plus strand (C on the coding strand, the reverse complement: ARSA is on the minus strand); the first of 2 consecutive G bases (chr22:50,627,327-50,627,328); deleting either gives the same sequence. VCF-style (leftmost placement, unchanged base first): chr22-50627326-AG-A. GRCh37 (hg19) VCF-style: chr22-51065754-AG-A.
Other names: c.304del, p.Leu102fs (NM_001085425.3, NM_001085426.3, NM_001085427.3); c.46del, p.Leu16fs (NM_001085428.3, NM_001362782.2); c.304delC (NM_000487.5); c.304del (NM_000487.5); short protein forms L16fs, L102fs.
Identifiers: ClinVar variation 189073 (VCV000189073.16), dbSNP rs786204673, ClinGen allele CA278486.
Genomic context (GRCh38, chr22:50,627,326, plus strand): 5'-ATTCCTGTGAGGTAGCCTCGGGCAGCCAGGACTTCGGCCACGGTCACCTCCTCCAGGGGC[AG>A]GCCCCCCCGGGAGCTGGGCACCAGGACGCCAGGGTACATGCCCATCCGAACCGGGAGCCG-3'